The following is an entry in ClinVar:

NM_001267550.2(TTN):c.106914G>C (p.Trp35638Cys)

Genes: TTN-AS1 (TTN antisense RNA 1; plus strand), TTN (titin; minus strand). Cytogenetic location: 2q31.2.
Variant type: single nucleotide variant.
Coding change: c.106914G>C on transcript NM_001267550.2 (MANE Select); coding-DNA position 106914, G replaced by C.
Protein change: p.Trp35638Cys; replaces tryptophan 35638 with cysteine.
Molecular consequence: missense variant.
Genome position (GRCh38, 1-based): chr2:178,528,837, C>G on the plus strand (G>C on the coding strand, the complement: TTN is on the minus strand). VCF-style: chr2-178528837-C-G. GRCh37 (hg19) VCF-style: chr2-179393564-C-G.
Other names: p.Trp33070Cys; c.101991G>C, p.Trp33997Cys (NM_001256850.1); c.79719G>C, p.Trp26573Cys (NM_003319.4); c.99210G>C, p.Trp33070Cys (NM_133378.4); c.80094G>C, p.Trp26698Cys (NM_133432.3); c.80295G>C, p.Trp26765Cys (NM_133437.4); short protein forms W33997C, W35638C, W33070C, W26698C, W26573C, W26765C.
Identifiers: ClinVar variation 449137 (VCV000449137.11), dbSNP rs758497512, ClinGen allele CA1985026.

ClinVar aggregate classification (germline): Uncertain significance. Review status: criteria provided, multiple submitters, no conflicts (2 of 4 stars). 4 submissions from 4 submitters: Uncertain significance (4). Last evaluated 2025-08-04.

Conditions:
Autosomal recessive limb-girdle muscular dystrophy type 2J (LGMDR10). Also called: Limb-girdle muscular dystrophy, type 2J; MUSCULAR DYSTROPHY, LIMB-GIRDLE, AUTOSOMAL RECESSIVE 10. Identifiers: Orphanet 140922, MedGen C1837342, MONDO:0012127, OMIM 608807.
Dilated cardiomyopathy 1G (CMD1G). Identifiers: Orphanet 154, MedGen C1858763, MONDO:0011400, OMIM 604145.
Cardiomyopathy (CMYO). Also called: Cardiomyopathies. Identifiers: Orphanet 167848, MedGen C0878544, MONDO:0004994, HP:0001638. Inheritance: Various modes of inheritance.

Allele frequency attached by ClinVar (database versions not stated): ExAC 0.00001; gnomAD exomes 0.00001.
gnomAD v4.1: 7 of 1,613,910 alleles (0.00043%); highest among the groups gnomAD compares: Admixed American, 0.0017%; no homozygotes.

Submissions (4):

Labcorp Genetics (formerly Invitae), Labcorp
Classification: Uncertain significance for Dilated cardiomyopathy 1G; Autosomal recessive limb-girdle muscular dystrophy type 2J. Last evaluated: 2025-08-04. Review status: criteria provided, single submitter. Criteria: Invitae Variant Classification Sherloc (09022015). Collection method: clinical testing. Allele origin: germline.
Comment: This sequence change replaces tryptophan, which is neutral and slightly polar, with cysteine, which is neutral and slightly polar, at codon 35638 of the TTN protein (p.Trp35638Cys). This variant is present in population databases (rs758497512, gnomAD 0.003%). This missense change has been observed in individual(s) with dilated cardiomyopathy (PMID: 25163546). This variant is also known as p.W26765C. ClinVar contains an entry for this variant (Variation ID: 449137). Experimental studies and prediction algorithms are not available or were not evaluated, and the functional significance of this variant is currently unknown. This variant is located in the M band of TTN (PMID: 25589632). Non-truncating variants in this region may be relevant for neuromuscular disorders, but have not been definitively shown to cause cardiomyopathy (PMID: 23975875). In summary, the available evidence is currently insufficient to determine the role of this variant in disease. Therefore, it has been classified as a Variant of Uncertain Significance.

Mayo Clinic Laboratories, Mayo Clinic
Classification: Uncertain significance. Last evaluated: 2023-09-22. Review status: criteria provided, single submitter. Criteria: ACMG Guidelines, 2015. Collection method: clinical testing. Allele origin: germline. Observed: 1 variant allele.
Comment: PP3

CHEO Genetics Diagnostic Laboratory, Children's Hospital of Eastern Ontario
Classification: Uncertain significance for Cardiomyopathy. Last evaluated: 2017-11-24. Review status: criteria provided, single submitter. Criteria: ACMG Guidelines, 2015. Collection method: clinical testing. Allele origin: germline.

GeneDx
Classification: Uncertain significance. Last evaluated: 2017-02-16. Review status: criteria provided, single submitter. Criteria: GeneDx Variant Classification (06012015). Collection method: clinical testing. Allele origin: germline. Affected: yes.
Comment: The W33070C variant has been previously reported in an individual with dilated cardiomyopathy; however, it was unclear if this individual harbored additional pathogenic variants associated with cardiomyopathy and detailed clinical information and segregation analysis was not provided (Haas et al., 2015). The W33070C variant is not observed at a significant frequency in large population cohorts (Lek et al., 2016; 1000 Genomes Consortium et al., 2015; Exome Variant Server). This variant is a non-conservative amino acid substitution, which is likely to impact secondary protein structure as these residues differ in polarity, charge, size and/or other properties. This substitution occurs at a position that is conserved across species, and in silico analysis predicts this variant is probably damaging to the protein structure/function. However, the majority of pathogenic variants in the TTN gene are loss of function and result from truncating variants.

Literature cited by the submitters: PubMed 25163546 (cited by Labcorp Genetics (formerly Invitae), Labcorp and Mayo Clinic Laboratories, Mayo Clinic); PubMed 25589632 (cited by Labcorp Genetics (formerly Invitae), Labcorp); PubMed 23975875 (cited by Labcorp Genetics (formerly Invitae), Labcorp).